The following is an entry in ClinVar:

ClinVar aggregate classification (germline): Uncertain significance. Review status: criteria provided, multiple submitters, no conflicts (2 of 4 stars). 2 submissions from 2 submitters: Uncertain significance (2). Last evaluated 2025-12-04.

Conditions:
Combined immunodeficiency due to DOCK8 deficiency (HIES2). Also called: HIES autosomal recessive; HYPER-IgE RECURRENT INFECTION SYNDROME 2, AUTOSOMAL RECESSIVE; HYPER-IgE SYNDROME 2, AUTOSOMAL RECESSIVE, WITH RECURRENT INFECTIONS; Hyper-IgE recurrent infection syndrome, autosomal recessive; DOCK8 Deficiency. Identifiers: Orphanet 217390, MedGen C4722305, MONDO:0009478, OMIM 243700.

Allele frequency attached by ClinVar (database versions not stated): gnomAD exomes 0.00001 and 0.00002; TOPMed 0.00003; gnomAD 0.00005.
gnomAD v4.1: 15 of 1,613,970 alleles (0.00093%); highest among the groups gnomAD compares: Admixed American, 0.018%; no homozygotes.

Submissions (2):

Mayo Clinic Laboratories, Mayo Clinic
Classification: Uncertain significance. Last evaluated: 2025-12-04. Review status: criteria provided, single submitter. Criteria: ACMG Guidelines, 2015. Collection method: clinical testing. Allele origin: germline. Observed: 1 variant allele.
Comment: BP4_moderate

Labcorp Genetics (formerly Invitae), Labcorp
Classification: Uncertain significance for Combined immunodeficiency due to DOCK8 deficiency. Last evaluated: 2022-11-21. Review status: criteria provided, single submitter. Criteria: Invitae Variant Classification Sherloc (09022015). Collection method: clinical testing. Allele origin: germline.
Comment: This variant has not been reported in the literature in individuals affected with DOCK8-related conditions. In summary, the available evidence is currently insufficient to determine the role of this variant in disease. Therefore, it has been classified as a Variant of Uncertain Significance. Advanced modeling of protein sequence and biophysical properties (such as structural, functional, and spatial information, amino acid conservation, physicochemical variation, residue mobility, and thermodynamic stability) performed at Invitae indicates that this missense variant is not expected to disrupt DOCK8 protein function. ClinVar contains an entry for this variant (Variation ID: 945604). This variant is present in population databases (no rsID available, gnomAD 0.01%). This sequence change replaces isoleucine, which is neutral and non-polar, with valine, which is neutral and non-polar, at codon 288 of the DOCK8 protein (p.Ile288Val).

NM_203447.4(DOCK8):c.862A>G (p.Ile288Val)

Gene: DOCK8 (dedicator of cytokinesis 8; plus strand). Cytogenetic location: 9p24.3.
Variant type: single nucleotide variant.
Coding change: c.862A>G on transcript NM_203447.4 (MANE Select); coding-DNA position 862, A replaced by G.
Protein change: p.Ile288Val; replaces isoleucine 288 with valine.
Molecular consequence: missense variant.
Genome position (GRCh38, 1-based): chr9:325,705, A>G. VCF-style: chr9-325705-A-G. GRCh37 (hg19) VCF-style: chr9-325705-A-G.
Other names: p.Ile288Val; c.658A>G, p.Ile220Val (NM_001190458.2, NM_001193536.2); short protein forms I288V, I220V.
Identifiers: ClinVar variation 945604 (VCV000945604.11), dbSNP rs1304120047, ClinGen allele CA372750893.